The following is an entry in ClinVar:

ClinVar aggregate classification (germline): Benign/Likely benign. Review status: criteria provided, multiple submitters, no conflicts (2 of 4 stars). 2 submissions from 2 submitters: Benign (1); Likely benign (1). Last evaluated 2024-10-22.

Conditions:
Birt-Hogg-Dube syndrome. Also called: Birt Hogg Dubé syndrome. Identifiers: Orphanet 122, MedGen C0346010, MONDO:0800444.
Birt-Hogg-Dube syndrome 1 (BHD1). Also called: FIBROFOLLICULOMAS WITH TRICHODISCOMAS AND ACROCHORDONS. Identifiers: Orphanet 122, MedGen CN375946, MONDO:0800445, OMIM 135150.

Allele frequency attached by ClinVar (database versions not stated): gnomAD exomes 0.00001 and 0.00002; ExAC 0.00003.
gnomAD v4.1: 15 of 1,613,678 alleles (0.00093%); highest among the groups gnomAD compares: South Asian, 0.015%; no homozygotes.

Submissions (2):

Myriad Genetics, Inc.
Classification: Benign for Birt-Hogg-Dube syndrome 1. Last evaluated: 2024-10-22. Review status: criteria provided, single submitter. Criteria: Myriad Autosomal Dominant, Autosomal Recessive and X-Linked Classification Criteria (2023). Collection method: clinical testing. Allele origin: unknown.
Comment: This variant is considered benign. This variant is a silent/synonymous amino acid change and it is not expected to impact splicing.

Labcorp Genetics (formerly Invitae), Labcorp
Classification: Likely benign for Birt-Hogg-Dube syndrome. Last evaluated: 2024-06-14. Review status: criteria provided, single submitter. Criteria: Invitae Variant Classification Sherloc (09022015). Collection method: clinical testing. Allele origin: germline.

NM_144997.7(FLCN):c.60C>T (p.Phe20=)

Gene: FLCN (folliculin; minus strand). Cytogenetic location: 17p11.2.
Variant type: single nucleotide variant.
Coding change: c.60C>T on transcript NM_144997.7 (MANE Select); coding-DNA position 60, C replaced by T.
Protein change: p.Phe20=; no amino-acid change (phenylalanine 20 retained).
Molecular consequence: synonymous variant.
Genome position (GRCh38, 1-based): chr17:17,228,078, G>A on the plus strand (C>T on the coding strand, the complement: FLCN is on the minus strand). VCF-style: chr17-17228078-G-A. GRCh37 (hg19) VCF-style: chr17-17131392-G-A.
Other names: c.60C>T, p.Phe20= (NM_001353229.2, NM_001353230.2, NM_001353231.2 and 1 more transcripts).
Identifiers: ClinVar variation 1146896 (VCV001146896.8), dbSNP rs776605909, ClinGen allele CA8416530.